The following is an entry in ClinVar:

NM_001018113.3(FANCB):c.1987A>G (p.Thr663Ala)

Gene: FANCB (FA complementation group B; minus strand). Cytogenetic location: Xp22.2.
Variant type: single nucleotide variant.
Coding change: c.1987A>G on transcript NM_001018113.3 (MANE Select); coding-DNA position 1987, A replaced by G.
Protein change: p.Thr663Ala; replaces threonine 663 with alanine.
Molecular consequence: missense variant.
Genome position (GRCh38, 1-based): chrX:14,844,681, T>C on the plus strand (A>G on the coding strand, the complement: FANCB is on the minus strand). VCF-style: chrX-14844681-T-C. GRCh37 (hg19) VCF-style: chrX-14862803-T-C.
Other names: c.1987A>G, p.Thr663Ala (NM_001324162.2, NM_152633.4); short protein forms T663A.
Identifiers: ClinVar variation 695272 (VCV000695272.14), dbSNP rs184796918, ClinGen allele CA10352979.

ClinVar aggregate classification (germline): Benign. Review status: criteria provided, multiple submitters, no conflicts (2 of 4 stars). 3 submissions from 2 submitters: Benign (3). Last evaluated 2025-11-13.

Conditions:
VACTERL association, X-linked, with or without hydrocephalus (VACTERLX). Also called: VACTERL-H, X-LINKED; VACTERL Association with Hydrocephalus, X-linked; X-linked VACTERL-H syndrome; VACTERL ASSOCIATION, X-LINKED. Identifiers: Orphanet 3412, MedGen C2931228, MONDO:0010752, OMIM 314390.
Fanconi anemia (FA). Also called: Fanconi's anemia. Identifiers: Orphanet 84, MedGen C0015625, MeSH D005199, MONDO:0019391.
Fanconi anemia complementation group B (FANCB). Also called: FANCB-Related Fanconi Anemia; FANCONI PANCYTOPENIA, TYPE 2. Identifiers: Orphanet 84, MedGen C1845292, MONDO:0010351, OMIM 300514.

Allele frequency attached by ClinVar (database versions not stated): TOPMed 0.00002; gnomAD 0.00003 and 0.00007; gnomAD exomes 0.00009 and 0.00023; ExAC 0.00015; 1000 Genomes Project 30x 0.00021; 1000 Genomes Project 0.00026.
gnomAD v4.1: 257 of 1,209,702 alleles (0.021%); highest among the groups gnomAD compares: East Asian, 0.75%; 1 homozygote.

Submissions (3):

Labcorp Genetics (formerly Invitae), Labcorp
Classification: Benign for Fanconi anemia. Last evaluated: 2025-11-13. Review status: criteria provided, single submitter. Criteria: Invitae Variant Classification Sherloc (09022015). Collection method: clinical testing. Allele origin: germline.

Illumina Laboratory Services, Illumina
Classification: Benign for VACTERL association with hydrocephaly, X-linked. Last evaluated: 2018-01-13. Review status: criteria provided, single submitter. Criteria: ICSL Variant Classification Criteria 13 December 2019. Collection method: clinical testing. Allele origin: germline.
Comment: This variant was observed in the ICSL laboratory as part of a predisposition screen in an ostensibly healthy population. It had not been previously curated by ICSL or reported in the Human Gene Mutation Database (HGMD: prior to June 1st, 2018), and was therefore a candidate for classification through an automated scoring system. Utilizing variant allele frequency, disease prevalence and penetrance estimates, and inheritance mode, an automated score was calculated to assess if this variant is too frequent to cause the disease. Based on the score and internal cut-off values, a variant classified as benign is not then subjected to further curation. The score for this variant resulted in a classification of benign for this disease.

Illumina Laboratory Services, Illumina
Classification: Benign for Fanconi anemia complementation group B. Last evaluated: 2018-01-13. Review status: criteria provided, single submitter. Criteria: ICSL Variant Classification Criteria 13 December 2019. Collection method: clinical testing. Allele origin: germline.
Comment: the same text as in the submission from Illumina Laboratory Services, Illumina above.